The following is an entry in ClinVar:

ClinVar aggregate classification (germline): Pathogenic (0 of 4 stars; one submission).

Conditions:
Autosomal recessive nonsyndromic hearing loss 4 (DFNB4). Also called: Deafness, autosomal recessive 4, with enlarged vestibular aqueduct; Deafness, autosomal recessive 4; FOXI1-Related Pendred Syndrome; KCNJ10-Related Pendred Syndrome; DEAFNESS, AUTOSOMAL RECESSIVE 4, WITH ENLARGED VESTIBULAR AQUEDUCT, DIGENIC; NEUROSENSORY NONSYNDROMIC RECESSIVE DEAFNESS 4. Identifiers: Orphanet 90636, MedGen C3538946, MONDO:0010933, OMIM 600791.

Submission:

Laboratory of Prof. Karen Avraham, Tel Aviv University
Classification: Pathogenic for Autosomal recessive nonsyndromic hearing loss 4. Last evaluated: 2016-02-19. Review status: no assertion criteria provided. Collection method: research. Allele origin: germline. Affected: yes.
Comment: Congenital, profound HL

NSHL; recessive, DFNB4

NM_000441.1(SLC26A4):c.[349C>T];[578C>T]

Variant type: CompoundHeterozygote.
Identifiers: ClinVar variation 424816 (VCV000424816.2).